The following is an entry in ClinVar:

ClinVar aggregate classification (germline): Uncertain significance. Review status: criteria provided, multiple submitters, no conflicts (2 of 4 stars). 2 submissions from 2 submitters: Uncertain significance (2). Last evaluated 2024-07-30.

Conditions:
Hereditary cancer-predisposing syndrome. Also called: Neoplastic Syndromes, Hereditary; Hereditary Cancer Syndrome; Hereditary neoplastic syndrome; Tumor predisposition. Identifiers: Orphanet 140162, MedGen C0027672, MeSH D009386, MONDO:0015356.

Allele frequency attached by ClinVar (database versions not stated): gnomAD exomes below 0.00001; ExAC 0.00001; TOPMed 0.00001.
gnomAD v4.1: 2 of 1,614,220 alleles (0.00012%); highest among the groups gnomAD compares: Non-Finnish European, 0.000085%; no homozygotes.

Submissions (2):

Labcorp Genetics (formerly Invitae), Labcorp
Classification: Uncertain significance. Last evaluated: 2024-07-30. Review status: criteria provided, single submitter. Criteria: Invitae Variant Classification Sherloc (09022015). Collection method: clinical testing. Allele origin: germline.
Comment: This sequence change replaces alanine, which is neutral and non-polar, with threonine, which is neutral and polar, at codon 251 of the CTNNA1 protein (p.Ala251Thr). This variant is present in population databases (rs769727520, gnomAD 0.0009%). This variant has not been reported in the literature in individuals affected with CTNNA1-related conditions. ClinVar contains an entry for this variant (Variation ID: 1423339). Advanced modeling of protein sequence and biophysical properties (such as structural, functional, and spatial information, amino acid conservation, physicochemical variation, residue mobility, and thermodynamic stability) performed at Invitae indicates that this missense variant is expected to disrupt CTNNA1 protein function with a positive predictive value of 80%. In summary, the available evidence is currently insufficient to determine the role of this variant in disease. Therefore, it has been classified as a Variant of Uncertain Significance.

Ambry Genetics
Classification: Uncertain significance for Hereditary cancer-predisposing syndrome. Last evaluated: 2024-02-09. Review status: criteria provided, single submitter. Criteria: Ambry Variant Classification Scheme 2023. Collection method: clinical testing. Allele origin: germline.
Comment: The p.A251T variant (also known as c.751G>A), located in coding exon 5 of the CTNNA1 gene, results from a G to A substitution at nucleotide position 751. The alanine at codon 251 is replaced by threonine, an amino acid with similar properties. This amino acid position is highly conserved in available vertebrate species. In addition, this alteration is predicted to be deleterious by in silico analysis. Since supporting evidence is limited at this time, the clinical significance of this alteration remains unclear.

NM_001903.5(CTNNA1):c.751G>A (p.Ala251Thr)

Gene: CTNNA1 (catenin alpha 1; plus strand). Cytogenetic location: 5q31.2.
Variant type: single nucleotide variant.
Coding change: c.751G>A on transcript NM_001903.5 (MANE Select); coding-DNA position 751, G replaced by A.
Protein change: p.Ala251Thr; replaces alanine 251 with threonine.
Molecular consequence: missense variant.
Genome position (GRCh38, 1-based): chr5:138,824,692, G>A. VCF-style: chr5-138824692-G-A. GRCh37 (hg19) VCF-style: chr5-138160381-G-A.
Other names: c.751G>A, p.Ala251Thr (NM_001290307.3, NM_001323982.2, NM_001323983.1 and 3 more transcripts); c.442G>A, p.Ala148Thr (NM_001290309.3); c.382G>A, p.Ala128Thr (NM_001290310.3); short protein forms A148T, A251T, A128T.
Identifiers: ClinVar variation 1423339 (VCV001423339.8), dbSNP rs769727520, ClinGen allele CA3431550.
Genomic context (GRCh38, chr5:138,824,692, plus strand): 5'-CACCCTGATGTCGCAGCCTATAAGGCCAACAGGGACCTGATATACAAGCAGCTGCAGCAG[G>A]CGGTCACAGGCATTTCCAATGCAGCCCAGGCCACTGCCTCAGACGATGCCTCACAGCACC-3'
Protein context (NP_001894.2, residues 241-261): RDLIYKQLQQ[Ala251Thr]VTGISNAAQA